The following is an entry in ClinVar:

ClinVar aggregate classification (germline): Uncertain significance. Review status: criteria provided, multiple submitters, no conflicts (2 of 4 stars). 3 submissions from 3 submitters: Uncertain significance (3). Last evaluated 2026-01-13.

Conditions:
Cardiovascular phenotype. Identifiers: MedGen CN230736.
NEXN-related disorder. Also called: NEXN-related condition; NEXN-related disorders.

Allele frequency attached by ClinVar (database versions not stated): gnomAD exomes below 0.00001; TOPMed below 0.00001; ExAC 0.00001; gnomAD 0.00001.
gnomAD v4.1: 4 of 1,613,524 alleles (0.00025%); highest among the groups gnomAD compares: African/African-American, 0.004%; no homozygotes.

Submissions (3):

PreventionGenetics, part of Exact Sciences
Classification: Uncertain significance for NEXN-related condition. Last evaluated: 2026-01-13. Review status: criteria provided, single submitter. Criteria: ACMG Guidelines, 2015. Collection method: clinical testing. Allele origin: germline.
Comment: The NEXN c.98A>G variant is predicted to result in the amino acid substitution p.Asp33Gly. To our knowledge, this variant has not been reported in the literature. This variant is reported in 0.0083% of alleles in individuals of African descent in gnomAD. At this time, the clinical significance of this variant is uncertain due to the absence of conclusive functional and genetic evidence.

GeneDx
Classification: Uncertain significance. Last evaluated: 2024-07-15. Review status: criteria provided, single submitter. Criteria: GeneDx Variant Classification Process June 2021. Collection method: clinical testing. Allele origin: germline. Affected: yes.
Comment: Has not been previously published as pathogenic or benign to our knowledge; Not observed at significant frequency in large population cohorts (gnomAD); In silico analysis supports a deleterious effect on splicing; In silico analysis indicates that this missense variant does not alter protein structure/function

Ambry Genetics
Classification: Uncertain significance for Cardiovascular phenotype. Last evaluated: 2022-01-20. Review status: criteria provided, single submitter. Criteria: Ambry Variant Classification Scheme 2023. Collection method: clinical testing. Allele origin: germline.
Comment: The p.D33G variant (also known as c.98A>G), located in coding exon 2 of the NEXN gene, results from an A to G substitution at nucleotide position 98. The aspartic acid at codon 33 is replaced by glycine, an amino acid with similar properties. This amino acid position is well conserved in available vertebrate species. In addition, this alteration is predicted to be tolerated by in silico analysis. Since supporting evidence is limited at this time, the clinical significance of this alteration remains unclear.

NM_144573.4(NEXN):c.98A>G (p.Asp33Gly)

Gene: NEXN (nexilin F-actin binding protein; plus strand). Cytogenetic location: 1p31.1.
Variant type: single nucleotide variant.
Coding change: c.98A>G on transcript NM_144573.4 (MANE Select); coding-DNA position 98, A replaced by G.
Protein change: p.Asp33Gly; replaces aspartic acid 33 with glycine.
Molecular consequence: missense variant. On other transcripts: intron variant (1).
Genome position (GRCh38, 1-based): chr1:77,917,636, A>G. VCF-style: chr1-77917636-A-G. GRCh37 (hg19) VCF-style: chr1-78383321-A-G.
Other names: c.28-324A>G (NM_001172309.2); short protein forms D33G.
Identifiers: ClinVar variation 1768535 (VCV001768535.4), dbSNP rs771890063, ClinGen allele CA918562.